The following is an entry in ClinVar:

NM_014476.6(PDLIM3):c.831G>A (p.Pro277=)

Gene: PDLIM3 (PDZ and LIM domain 3; minus strand). Cytogenetic location: 4q35.1.
Variant type: single nucleotide variant.
Coding change: c.831G>A on transcript NM_014476.6 (MANE Select); coding-DNA position 831, G replaced by A.
Protein change: p.Pro277=; no amino-acid change (proline 277 retained).
Molecular consequence: synonymous variant. On other transcripts: non-coding transcript variant (1).
Genome position (GRCh38, 1-based): chr4:185,504,549, C>T on the plus strand (G>A on the coding strand, the complement: PDLIM3 is on the minus strand). VCF-style: chr4-185504549-C-T. GRCh37 (hg19) VCF-style: chr4-186425703-C-T.
Other names: p.P277P:CCG>CCA; c.687G>A, p.Pro229= (NM_001114107.5); c.567G>A, p.Pro189= (NM_001257962.2); c.330G>A, p.Pro110= (NM_001257963.2).
Identifiers: ClinVar variation 138672 (VCV000138672.22), dbSNP rs61734674, ClinGen allele CA333139.

ClinVar aggregate classification (germline): Benign/Likely benign. Review status: criteria provided, multiple submitters, no conflicts (2 of 4 stars). 6 submissions from 6 submitters: Benign (5); Likely benign (1). Last evaluated 2026-02-02.

Conditions:
Hypertrophic cardiomyopathy. Also called: HYPERTROPHIC MYOCARDIOPATHY. Identifiers: Orphanet 217569, MedGen C0007194, MeSH D002312, MONDO:0005045, HP:0001639.
Primary dilated cardiomyopathy (DCM). Also called: Dilated Cardiomyopathy. Identifiers: Orphanet 217604, MedGen C0007193, MeSH D002311, MONDO:0005021, HP:0001644. Inheritance: Various modes of inheritance.

Allele frequency attached by ClinVar (database versions not stated): gnomAD exomes 0.00236 and 0.00088; ExAC 0.00283; 1000 Genomes Project 30x 0.00750; gnomAD 0.00915 and 0.00997; 1000 Genomes Project 0.00659; TOPMed 0.01040; ESP Exome Variant Server 0.01046.
gnomAD v4.1: 2,745 of 1,614,100 alleles (0.17%); highest among the groups gnomAD compares: African/African-American, 3.2%; 44 homozygotes.

Submissions (6):

Labcorp Genetics (formerly Invitae), Labcorp
Classification: Benign for Hypertrophic cardiomyopathy; Primary dilated cardiomyopathy. Last evaluated: 2026-02-02. Review status: criteria provided, single submitter. Criteria: Invitae Variant Classification Sherloc (09022015). Collection method: clinical testing. Allele origin: germline.

Women's Health and Genetics/Laboratory Corporation of America, LabCorp
Classification: Benign. Last evaluated: 2023-08-19. Review status: criteria provided, single submitter. Criteria: LabCorp Variant Classification Summary - May 2015. Collection method: clinical testing. Allele origin: germline.

Ambry Genetics
Classification: Likely benign. Last evaluated: 2022-05-17. Review status: criteria provided, single submitter. Criteria: Ambry Variant Classification Scheme 2023. Collection method: clinical testing. Allele origin: germline.

Laboratory for Molecular Medicine, Mass General Brigham Personalized Medicine
Classification: Benign. Last evaluated: 2014-11-24. Review status: criteria provided, single submitter. Criteria: LMM Criteria. Collection method: clinical testing. Allele origin: germline. Observed: 5 variant alleles.
Comment: Pro277Pro in exon 7 of PDLIM3: This variant is not expected to have clinical sig nificance because it does not alter an amino acid residue and is not located wit hin the splice consensus sequence. It has been identified in 3.1% (135/4406) of African American chromosomes from a broad population by the NHLBI Exome Sequenci ng Project (dbSNP rs61734674).

GeneDx
Classification: Benign. Last evaluated: 2014-07-02. Review status: criteria provided, single submitter. Criteria: GeneDx Variant Classification (06012015). Collection method: clinical testing. Allele origin: germline. Affected: yes.
Comment: This variant is considered likely benign or benign based on one or more of the following criteria: it is a conservative change, it occurs at a poorly conserved position in the protein, it is predicted to be benign by multiple in silico algorithms, and/or has population frequency not consistent with disease.

Breakthrough Genomics
Classification: Benign. Review status: criteria provided, single submitter. Criteria: ACMG Guidelines, 2015. Collection method: not provided. Allele origin: germline. Inheritance: Unknown mechanism. Affected: yes.